The following is an entry in ClinVar:

NC_000015.9:g.(?_51057645)_(51057730_?)del

Gene: SPPL2A (signal peptide peptidase like 2A; minus strand). Cytogenetic location: 15q21.2.
Variant type: Deletion.
Identifiers: ClinVar variation 2427068 (VCV002427068.4).

ClinVar aggregate classification (germline): Uncertain significance (1 of 4 stars; one submission).

Submission:

Labcorp Genetics (formerly Invitae), Labcorp
Classification: Uncertain significance. Last evaluated: 2022-03-13. Review status: criteria provided, single submitter. Criteria: Invitae Variant Classification Sherloc (09022015). Collection method: clinical testing. Allele origin: germline.
Comment: In summary, the available evidence is currently insufficient to determine the role of this variant in disease. Therefore, it has been classified as a Variant of Uncertain Significance. This variant has not been reported in the literature in individuals affected with SPPL2A-related conditions. This variant is a gross deletion of the genomic region encompassing exon(s) 1 of the SPPL2A gene, which includes the initiator codon. This deletion extends beyond the assayed region for this gene and therefore may encompass additional genes. It is expected to result in an absent or disrupted protein product. However, the current clinical and genetic evidence is not sufficient to establish whether loss-of-function variants in SPPL2A cause disease.